The following is an entry in ClinVar:

ClinVar aggregate classification (germline): Pathogenic. Review status: reviewed by expert panel (3 of 4 stars). 19 submissions from 18 submitters: Pathogenic (1). 18 of the submissions do not count toward it. Last evaluated 2016-09-08.

Conditions:
Pancreatic cancer, susceptibility to, 4. Identifiers: Orphanet 1333, MedGen C3280442, MONDO:0013685, OMIM 614320.
Familial cancer of breast. Also called: BREAST CANCER, FAMILIAL; Hereditary breast cancer; hereditary breast carcinoma. Identifiers: Orphanet 227535, MedGen C0346153, MONDO:0016419, OMIM 114480. Disease mechanism: loss of function.
Breast-ovarian cancer, familial, susceptibility to, 1 (BROVCA1). Also called: OVARIAN CANCER, SUSCEPTIBILITY TO; BRCA1 Hereditary Breast and Ovarian Cancer. Identifiers: Orphanet 145, MedGen C2676676, MONDO:0011450, OMIM 604370. Disease mechanism: loss of function.
Fanconi anemia, complementation group S (FANCS). Identifiers: MedGen C4554406, MONDO:0054748, OMIM 617883.
Breast and/or ovarian cancer. Identifiers: MedGen CN221562.
Hereditary cancer-predisposing syndrome. Also called: Neoplastic Syndromes, Hereditary; Tumor predisposition; Hereditary Cancer Syndrome; Hereditary neoplastic syndrome. Identifiers: Orphanet 140162, MedGen C0027672, MeSH D009386, MONDO:0015356.
Hereditary breast ovarian cancer syndrome. Also called: Hereditary breast and ovarian cancer; Breast and ovarian cancer; Hereditary breast and/or ovarian cancer syndrome; Hereditary breast and ovarian cancer syndrome (HBOC); Hereditary breast and ovarian cancer syndrome; BRCA1- and BRCA2-Associated Hereditary Breast and Ovarian Cancer. Identifiers: Orphanet 145, MedGen C0677776, MeSH D061325, MONDO:0003582. Disease mechanism: loss of function.

Allele frequency attached by ClinVar (database versions not stated): gnomAD exomes below 0.00001; ExAC 0.00001.

Submissions 1 to 11 of 19:

Evidence-based Network for the Interpretation of Germline Mutant Alleles (ENIGMA)
Classification: Pathogenic for Breast-ovarian cancer, familial, susceptibility to, 1. Last evaluated: 2016-09-08. Review status: reviewed by expert panel. Criteria: ENIGMA BRCA1/2 Classification Criteria (2015). Collection method: curation. Allele origin: germline.
Comment: Variant allele predicted to encode a truncated non-functional protein.

CeGaT Center for Human Genetics Tuebingen
Classification: Pathogenic. Last evaluated: 2026-05-01. Review status: criteria provided, single submitter. Criteria: CeGaT Center For Human Genetics Tuebingen Variant Classification Criteria Version 2. Collection method: clinical testing. Allele origin: germline. Affected: yes. Observed: 1 variant allele. Not counted in ClinVar's aggregate classification.
Comment: BRCA1: PVS1, PM2, PS4:Supporting

Labcorp Genetics (formerly Invitae), Labcorp
Classification: Pathogenic for Hereditary breast ovarian cancer syndrome. Last evaluated: 2025-11-25. Review status: criteria provided, single submitter. Criteria: Invitae Variant Classification Sherloc (09022015). Collection method: clinical testing. Allele origin: germline. Not counted in ClinVar's aggregate classification.
Comment: This sequence change creates a premature translational stop signal (p.Ser1217Ilefs*2) in the BRCA1 gene. It is expected to result in an absent or disrupted protein product. Loss-of-function variants in BRCA1 are known to be pathogenic (PMID: 20104584). This variant is present in population databases (rs80357902, gnomAD 0.003%). This premature translational stop signal has been observed in individual(s) with breast and/or ovarian cancer (PMID: 10866029, 21120943, 22762150). This variant is also known as 3768insA. ClinVar contains an entry for this variant (Variation ID: 37535). For these reasons, this variant has been classified as Pathogenic.

Mayo Clinic Laboratories, Mayo Clinic
Classification: Pathogenic. Last evaluated: 2025-08-05. Review status: criteria provided, single submitter. Criteria: ACMG Guidelines, 2015. Collection method: clinical testing. Allele origin: germline. Observed: 3 variant alleles. Not counted in ClinVar's aggregate classification.
Comment: PM5_strong, PVS1

Quest Diagnostics Nichols Institute San Juan Capistrano
Classification: Pathogenic. Last evaluated: 2024-05-01. Review status: criteria provided, single submitter. Criteria: Quest Diagnostics criteria. Collection method: clinical testing. Allele origin: unknown. Not counted in ClinVar's aggregate classification.
Comment: The BRCA1 c.3648dup (p.Ser1217Ilefs*2) variant alters the translational reading frame of the BRCA1 mRNA and causes the premature termination of BRCA1 protein synthesis. This variant has been reported in the published literature in in individuals and affected with breast/ovarian cancer (PMID: 9792861 (1998), 11179017 (2001), 17925560 (2007), 21120943 (2011), 21324516 (2011), 22762150 (2012), 30630528 (2019)). This variant has also been identified in an individual with a gynecological cancer (PMID: 37310942 (2023)). The frequency of this variant in the general population, 0.000004 (1/251312 chromosomes (Genome Aggregation Database)), is consistent with pathogenicity. Based on the available information, this variant is classified as pathogenic.

Baylor Genetics
Classification: Pathogenic for Breast-ovarian cancer, familial, susceptibility to, 1. Last evaluated: 2024-01-30. Review status: criteria provided, single submitter. Criteria: ACMG Guidelines, 2015. Collection method: clinical testing. Allele origin: unknown. Not counted in ClinVar's aggregate classification.

Ambry Genetics
Classification: Pathogenic for Hereditary cancer-predisposing syndrome. Last evaluated: 2022-12-01. Review status: criteria provided, single submitter. Criteria: Ambry Variant Classification Scheme 2023. Collection method: clinical testing. Allele origin: germline. Not counted in ClinVar's aggregate classification.
Comment: The c.3648dupA pathogenic mutation, located in coding exon 9 of the BRCA1 gene, results from a duplication of A at nucleotide position 3648, causing a translational frameshift with a predicted alternate stop codon (p.S1217Ifs*2). This mutation has been identified in high risk breast/ovarian cancer families of French, French Canadian, and Hispanic descent (Peyrat JP et al. Eur. J. Cancer Prev. 1998 Feb;7 Suppl 1:S7-12; Vogel KJ et al. J. Clin. Oncol. 2007 Oct;25(29):4635-41; Tonin PN et al. Am. J. Hum. Genet. 1998 Nov;63(5):1341-51; Cavallone L et al. Fam. Cancer 2010 Dec;9(4):507-17; Caux-Moncoutier V et al. Hum. Mutat. 2011 Mar;32(3):325-34; Fern&aacute;ndez-Lopez JC et al. Hum. Genomics 2019 01;13(1):3), as well as in unselected individuals diagnosed with ovarian cancer (Risch HA et al. Am. J. Hum. Genet. 2001 Mar;68(3):700-10; Zhang S et al. Gynecol. Oncol. 2011 May;121(2):353-7). This alteration was also identified in a large, worldwide study of BRCA1/2 mutation positive families (Rebbeck et al. Hum. Mutat. 2018 05;39(5):593-620). Of note, this alteration is also designated as 3767insA and 3768insA in published literature. In addition to the clinical data presented in the literature, this alteration is expected to result in loss of function by premature protein truncation or nonsense-mediated mRNA decay. As such, this alteration is interpreted as a disease-causing mutation.

Color Diagnostics, LLC DBA Color Health
Classification: Pathogenic for Hereditary cancer-predisposing syndrome. Last evaluated: 2022-08-08. Review status: criteria provided, single submitter. Criteria: ACMG Guidelines, 2015. Collection method: clinical testing. Allele origin: germline. Not counted in ClinVar's aggregate classification.
Comment: This variant inserts 1 nucleotide in exon 10 of the BRCA1 gene, creating a frameshift and premature translation stop signal. This variant is also known as 3768insA in the literature. This variant is expected to result in an absent or non-functional protein product. This variant has been reported in multiple individuals and families affected with breast and/or ovarian cancer (PMID: 9792861, 17148771, 21120943, 21324516). This variant has also been identified in 1/251312 chromosomes in the general population by the Genome Aggregation Database (gnomAD). Loss of BRCA1 function is a known mechanism of disease. Based on the available evidence, this variant is classified as Pathogenic.

Fulgent Genetics
Classification: Pathogenic for Familial cancer of breast; Breast-ovarian cancer, familial, susceptibility to, 1; Pancreatic cancer, susceptibility to, 4; Fanconi anemia, complementation group S. Last evaluated: 2022-04-10. Review status: criteria provided, single submitter. Criteria: ACMG Guidelines, 2015. Collection method: clinical testing. Allele origin: unknown. Not counted in ClinVar's aggregate classification.

GeneDx
Classification: Pathogenic. Last evaluated: 2021-12-06. Review status: criteria provided, single submitter. Criteria: GeneDx Variant Classification Process June 2021. Collection method: clinical testing. Allele origin: germline. Affected: yes. Not counted in ClinVar's aggregate classification.
Comment: Frameshift variant predicted to result in protein truncation or nonsense mediated decay in a gene for which loss-of-function is a known mechanism of disease; Observed in individuals with personal or family history of breast and/or ovarian cancer and has been suggested to be a French Canadian founder variant (Peyrat 1998, Tonin 1998, Risch 2001, Cavallone 2010, Zhang 2011); Truncating variants in this gene are considered pathogenic by a well-established clinical consortium and/or database; Not observed at significant frequency in large population cohorts (Lek 2016); Also known as 3767dupA; This variant is associated with the following publications: (PMID: 20694749, 10866029, 23364291, 15382066, 11179017, 17826769, 10422801, 11307153, 19383375, 9792861, 16143014, 10782928, 21120943, 11453973, 21324516, 25884701, 16905680, 17917138, 17386038, 30630528, 30720243, 31447099)

CHEO Genetics Diagnostic Laboratory, Children's Hospital of Eastern Ontario
Classification: Pathogenic for Breast and/or ovarian cancer. Last evaluated: 2021-08-18. Review status: criteria provided, single submitter. Criteria: ACMG Guidelines, 2015. Collection method: clinical testing. Allele origin: germline. Not counted in ClinVar's aggregate classification.

NM_007294.4(BRCA1):c.3648dup (p.Ser1217fs)

Genes: BRCA1 (BRCA1 DNA repair associated; minus strand), LOC126862571 (BRD4-independent group 4 enhancer GRCh37_chr17:41243136-41244335; plus strand). Cytogenetic location: 17q21.31.
Variant type: Duplication.
Coding change: c.3648dup on transcript NM_007294.4 (MANE Select); coding-DNA position 3648, one base duplicated (A; older notation c.3648dupA).
Protein change: p.Ser1217fs; shifts the reading frame from serine 1217.
Molecular consequence: frameshift variant. On other transcripts: intron variant (135).
Genome position (GRCh38, 1-based): chr17:43,091,883, T duplicated on the plus strand (A on the coding strand, the reverse complement: BRCA1 is on the minus strand). VCF-style (leftmost placement, unchanged base first): chr17-43091882-A-AT. GRCh37 (hg19) VCF-style: chr17-41243899-A-AT.
Other names: 3767insA; c.3648dupA (NM_007294.3); c.587-851dup (NM_001408476.1, NM_001408474.1); c.710-851dup (NM_001408409.1, NM_001408414.1, NM_001408411.1 and 2 more transcripts); c.575-851dup (NM_001408493.1, NM_001408490.1, NM_001408491.1); c.455-851dup (NM_001408502.1); c.578-851dup (NM_001408489.1, NM_001408479.1, NM_001408482.1 and 9 more transcripts); c.662-851dup (NM_001408445.1, NM_001408432.1, NM_001408450.1 and 6 more transcripts); and 43 more; short protein forms S1170fs, S1217fs, S1089fs, S1128fs, S1147fs, S1214fs, S1129fs, S1169fs.
Identifiers: ClinVar variation 37535 (VCV000037535.47), dbSNP rs80357902, ClinGen allele CA002335.